The following is an entry in ClinVar:

ClinVar aggregate classification (germline): Uncertain significance. Review status: criteria provided, multiple submitters, no conflicts (2 of 4 stars). 3 submissions from 3 submitters: Uncertain significance (3). Last evaluated 2025-08-25.

Conditions:
Neutral 1 amino acid transport defect (HND). Also called: HARTNUP DISORDER; Hartnup disease. Identifiers: Orphanet 2116, MedGen C0018609, MONDO:0009324, OMIM 234500.

gnomAD v4.1: 72 of 1,606,466 alleles (0.0045%); highest among the groups gnomAD compares: Middle Eastern, 0.05%; no homozygotes.

Submissions (3):

Mayo Clinic Laboratories, Mayo Clinic
Classification: Uncertain significance. Last evaluated: 2025-08-25. Review status: criteria provided, single submitter. Criteria: ACMG Guidelines, 2015. Collection method: clinical testing. Allele origin: germline. Observed: 2 variant alleles.
Comment: PP3_moderate, PM2_supporting, PM3_supporting, PS3_supporting

Fulgent Genetics
Classification: Uncertain significance for Neutral 1 amino acid transport defect. Last evaluated: 2024-04-18. Review status: criteria provided, single submitter. Criteria: ACMG Guidelines, 2015. Collection method: clinical testing. Allele origin: germline.

Juno Genomics, Hangzhou Juno Genomics, Inc
Classification: Uncertain significance for Neutral 1 amino acid transport defect. Review status: criteria provided, single submitter. Criteria: ACMG Guidelines, 2015. Collection method: clinical testing. Allele origin: germline.
Comment: Absent from controls (or at extremely low frequency if recessive) in Genome Aggregation Database.;Well-established in vitro or in vivo functional studies supportive of a damaging effect on the gene or gene product.;Patient's phenotype or family history is highly specific for a disease with a single genetic etiology.

Literature cited by the submitters: PubMed 15286788 (cited by Mayo Clinic Laboratories, Mayo Clinic); PubMed 15681018 (cited by Mayo Clinic Laboratories, Mayo Clinic); PubMed 18424768 (cited by Mayo Clinic Laboratories, Mayo Clinic); PubMed 18484095 (cited by Mayo Clinic Laboratories, Mayo Clinic); PubMed 19185582 (cited by Mayo Clinic Laboratories, Mayo Clinic); PubMed 19472175 (cited by Mayo Clinic Laboratories, Mayo Clinic); PubMed 23876153 (cited by Mayo Clinic Laboratories, Mayo Clinic); PubMed 27255547 (cited by Mayo Clinic Laboratories, Mayo Clinic); PubMed 34426522 (cited by Mayo Clinic Laboratories, Mayo Clinic).

NM_001003841.3(SLC6A19):c.719G>A (p.Arg240Gln)

Gene: SLC6A19 (solute carrier family 6 member 19; plus strand). Cytogenetic location: 5p15.33.
Variant type: single nucleotide variant.
Coding change: c.719G>A on transcript NM_001003841.3 (MANE Select); coding-DNA position 719, G replaced by A.
Protein change: p.Arg240Gln; replaces arginine 240 with glutamine.
Molecular consequence: missense variant.
Genome position (GRCh38, 1-based): chr5:1,213,518, G>A. VCF-style: chr5-1213518-G-A. GRCh37 (hg19) VCF-style: chr5-1213633-G-A.
Other names: p.Arg240Gln; short protein forms R240Q.
Identifiers: ClinVar variation 3591617 (VCV003591617.4).